The following is an entry in ClinVar:

NM_004608.4(TBX6):c.1268C>T (p.Ala423Val)

Gene: TBX6 (T-box transcription factor 6; minus strand). Cytogenetic location: 16p11.2.
Variant type: single nucleotide variant.
Coding change: c.1268C>T on transcript NM_004608.4 (MANE Select); coding-DNA position 1268, C replaced by T.
Protein change: p.Ala423Val; replaces alanine 423 with valine.
Molecular consequence: missense variant.
Genome position (GRCh38, 1-based): chr16:30,086,268, G>A on the plus strand (C>T on the coding strand, the complement: TBX6 is on the minus strand). VCF-style: chr16-30086268-G-A. GRCh37 (hg19) VCF-style: chr16-30097589-G-A.
Other names: c.1268C>T (NM_004608.3); short protein forms A423V.
Identifiers: ClinVar variation 1040034 (VCV001040034.11), dbSNP rs201930048, ClinGen allele CA8001619.
Genomic context (GRCh38, chr16:30,086,268, plus strand): 5'-AGGGGCCCAGCAGTGGTTCAGTACATGGGTTTGGAGCCCACATCCAGATAGCCCCCAGGC[G>A]CGGTGTATGGTAGAGGGAAGGGGCCCCCTTGGAGAAAGTGCGGGGCAAAGGGTACCGCCG-3'
Protein context (NP_004599.2, residues 413-433): QGGPFPLPYT[Ala423Val]PGGYLDVGSK

ClinVar aggregate classification (germline): Uncertain significance. Review status: criteria provided, multiple submitters, no conflicts (2 of 4 stars). 2 submissions from 2 submitters: Uncertain significance (2). Last evaluated 2025-09-01.

Conditions:
Inborn genetic diseases. Identifiers: MedGen C0950123, MeSH D030342.

Allele frequency attached by ClinVar (database versions not stated): gnomAD exomes 0.00007 and 0.00019; ExAC 0.00012; gnomAD 0.00013 and 0.00014; TOPMed 0.00014; ESP Exome Variant Server 0.00023.
gnomAD v4.1: 291 of 1,612,130 alleles (0.018%); highest among the groups gnomAD compares: Non-Finnish European, 0.023%; no homozygotes.

Submissions (2):

Labcorp Genetics (formerly Invitae), Labcorp
Classification: Uncertain significance. Last evaluated: 2025-09-01. Review status: criteria provided, single submitter. Criteria: Invitae Variant Classification Sherloc (09022015). Collection method: clinical testing. Allele origin: germline.
Comment: This sequence change replaces alanine, which is neutral and non-polar, with valine, which is neutral and non-polar, at codon 423 of the TBX6 protein (p.Ala423Val). This variant is present in population databases (rs201930048, gnomAD 0.03%). This variant has not been reported in the literature in individuals affected with TBX6-related conditions. ClinVar contains an entry for this variant (Variation ID: 1040034). An algorithm developed to predict the effect of missense changes on protein structure and function (PolyPhen-2) suggests that this variant is likely to be tolerated. In summary, the available evidence is currently insufficient to determine the role of this variant in disease. Therefore, it has been classified as a Variant of Uncertain Significance.

Ambry Genetics
Classification: Uncertain significance for Inborn genetic diseases. Last evaluated: 2025-06-30. Review status: criteria provided, single submitter. Criteria: Ambry Variant Classification Scheme 2023. Collection method: clinical testing. Allele origin: germline.